The following is an entry in ClinVar:

ClinVar aggregate classification (germline): Pathogenic. Review status: criteria provided, multiple submitters, no conflicts (2 of 4 stars). 2 submissions from 2 submitters: Pathogenic (2). Last evaluated 2016-08-25.

Conditions:
Becker muscular dystrophy (BMD). Also called: MUSCULAR DYSTROPHY, PSEUDOHYPERTROPHIC PROGRESSIVE, BECKER TYPE; Becker Muscular Dystrophy (BMD). Identifiers: Orphanet 98895, MedGen C0917713, MONDO:0010311, OMIM 300376.

Submissions (2):

Eurofins Ntd Llc (ga)
Classification: Pathogenic. Last evaluated: 2016-08-25. Review status: criteria provided, single submitter. Criteria: EGL Classification Definitions 2015. Collection method: clinical testing. Allele origin: germline. Observed: 2 variant alleles, 2 hemizygotes.

Juno Genomics, Hangzhou Juno Genomics, Inc
Classification: Pathogenic for Becker muscular dystrophy. Review status: criteria provided, single submitter. Criteria: ACMG Guidelines, 2015. Collection method: clinical testing. Allele origin: germline. Affected: yes.
Comment: Absent from controls (or at extremely low frequency if recessive) in Genome Aggregation Database, Exome Sequencing Project, 1000 Genomes Project, or Exome Aggregation Consortium.;Null variant in a gene where loss of function (LOF) is a known mechanism of disease.;The prevalence of the variant in affected individuals is significantly increased compared to the prevalence in controls.

NM_004006.3(DMD):c.3413G>A (p.Trp1138Ter)

Gene: DMD (dystrophin; minus strand). Cytogenetic location: Xp21.1.
Variant type: single nucleotide variant.
Coding change: c.3413G>A on transcript NM_004006.3 (MANE Select); coding-DNA position 3413, G replaced by A.
Protein change: p.Trp1138Ter; replaces tryptophan 1138 with a stop codon.
Molecular consequence: nonsense.
Genome position (GRCh38, 1-based): chrX:32,463,458, C>T on the plus strand (G>A on the coding strand, the complement: DMD is on the minus strand). VCF-style: chrX-32463458-C-T. GRCh37 (hg19) VCF-style: chrX-32481575-C-T.
Other names: c.3389G>A, p.Trp1130Ter (NM_000109.4); c.3401G>A, p.Trp1134Ter (NM_004009.3); c.3044G>A, p.Trp1015Ter (NM_004010.3); short protein forms W1138*, W1015*, W1130*, W1134*.
Identifiers: ClinVar variation 290270 (VCV000290270.9), dbSNP rs886044406, ClinGen allele CA10606715.